The following is an entry in ClinVar:

NM_153676.4(USH1C):c.864T>G (p.Ile288Met)

Gene: USH1C (USH1 protein network component harmonin; minus strand). Cytogenetic location: 11p15.1.
Variant type: single nucleotide variant.
Coding change: c.864T>G on transcript NM_153676.4 (MANE Select); coding-DNA position 864, T replaced by G.
Protein change: p.Ile288Met; replaces isoleucine 288 with methionine.
Molecular consequence: missense variant. On other transcripts: non-coding transcript variant (1), intron variant (1).
Genome position (GRCh38, 1-based): chr11:17,523,223, A>C on the plus strand (T>G on the coding strand, the complement: USH1C is on the minus strand). VCF-style: chr11-17523223-A-C. GRCh37 (hg19) VCF-style: chr11-17544770-A-C.
Other names: c.864T>G, p.Ile288Met (NM_005709.4); c.819+196T>G (NM_001297764.2); short protein forms I288M.
Identifiers: ClinVar variation 992080 (VCV000992080.5), dbSNP rs754717329, ClinGen allele CA5904831.

ClinVar aggregate classification (germline): Uncertain significance. Review status: criteria provided, multiple submitters, no conflicts (2 of 4 stars). 3 submissions from 3 submitters: Uncertain significance (2). 1 of the submissions does not count toward it. Last evaluated 2024-10-16.

Conditions:
Usher syndrome type 1C. Also called: USHER SYNDROME, TYPE I, ACADIAN VARIETY. Identifiers: Orphanet 231169, Orphanet 886, MedGen C1848604, MONDO:0010171, OMIM 276904.

Allele frequency attached by ClinVar (database versions not stated): gnomAD exomes 0.00001 and 0.00003; ExAC 0.00002; gnomAD 0.00003 and 0.00004; TOPMed 0.00004.
gnomAD v4.1: 25 of 1,614,048 alleles (0.0015%); highest among the groups gnomAD compares: Admixed American, 0.012%; no homozygotes.

Submissions (3):

Labcorp Genetics (formerly Invitae), Labcorp
Classification: Uncertain significance. Last evaluated: 2024-10-16. Review status: criteria provided, single submitter. Criteria: Invitae Variant Classification Sherloc (09022015). Collection method: clinical testing. Allele origin: germline.
Comment: This sequence change replaces isoleucine, which is neutral and non-polar, with methionine, which is neutral and non-polar, at codon 288 of the USH1C protein (p.Ile288Met). The frequency data for this variant in the population databases is considered unreliable, as metrics indicate poor data quality at this position in the gnomAD database. This variant has not been reported in the literature in individuals affected with USH1C-related conditions. ClinVar contains an entry for this variant (Variation ID: 992080). An algorithm developed to predict the effect of missense changes on protein structure and function (PolyPhen-2) suggests that this variant is likely to be disruptive. In summary, the available evidence is currently insufficient to determine the role of this variant in disease. Therefore, it has been classified as a Variant of Uncertain Significance.

Blueprint Genetics
Classification: Uncertain significance. Last evaluated: 2019-11-07. Review status: criteria provided, single submitter. Criteria: ACMG Guidelines, 2015. Collection method: clinical testing. Allele origin: germline.

Natera, Inc.
Classification: Uncertain significance for Usher syndrome type 1C. Last evaluated: 2020-04-11. Review status: no assertion criteria provided. Collection method: clinical testing. Allele origin: germline. Not counted in ClinVar's aggregate classification.